The following is an entry in ClinVar:

NM_001369.3(DNAH5):c.4355+1G>T

Genes: DNAH5 (dynein axonemal heavy chain 5; minus strand), DNAH5-AS1 (DNAH5 antisense RNA 1; plus strand). Cytogenetic location: 5p15.2.
Variant type: single nucleotide variant.
Coding change: c.4355+1G>T on transcript NM_001369.3 (MANE Select); the canonical splice donor site of the intron after coding-DNA position 4355, G replaced by T.
Molecular consequence: splice donor variant.
Genome position (GRCh38, 1-based): chr5:13,865,667, C>A on the plus strand (G>T on the coding strand, the complement: DNAH5 is on the minus strand). VCF-style: chr5-13865667-C-A. GRCh37 (hg19) VCF-style: chr5-13865776-C-A.
Identifiers: ClinVar variation 5003544 (VCV005003544.1).

ClinVar aggregate classification (germline): Likely pathogenic (1 of 4 stars; one submission).

Conditions:
Primary ciliary dyskinesia 3. Identifiers: Orphanet 244, MedGen C1837618, MONDO:0012085, OMIM 608644.

Submission:

Myriad Genetics, Inc.
Classification: Likely pathogenic for Primary ciliary dyskinesia 3. Last evaluated: 2025-10-08. Review status: criteria provided, single submitter. Criteria: Myriad Autosomal Dominant, Autosomal Recessive and X-Linked Classification Criteria (2023). Collection method: clinical testing. Allele origin: unknown.
Comment: NM_001369.2(DNAH5):c.4355+1G>T is a variant in a canonical splice site classified as likely pathogenic in the context of primary ciliary dyskinesia, DNAH5-related. c.4355+1G>T has not been observed in cases with relevant disease. Relevant functional assessments of this variant are not available in the literature. c.4355+1G>T has not been observed in referenced population frequency databases. In summary, NM_001369.2(DNAH5):c.4355+1G>T is a variant in a canonical splice site in a gene where loss of function is a known mechanism of disease and is predicted to disrupt protein function. Please note: this variant was assessed in the context of healthy population screening.